The following is an entry in ClinVar:

ClinVar aggregate classification (germline): Likely pathogenic (1 of 4 stars; one submission).

Conditions:
Dilated cardiomyopathy 1G (CMD1G). Identifiers: Orphanet 154, MedGen C1858763, MONDO:0011400, OMIM 604145.
Autosomal recessive limb-girdle muscular dystrophy type 2J (LGMDR10). Also called: Limb-girdle muscular dystrophy, type 2J; MUSCULAR DYSTROPHY, LIMB-GIRDLE, AUTOSOMAL RECESSIVE 10. Identifiers: Orphanet 140922, MedGen C1837342, MONDO:0012127, OMIM 608807.

Submission:

Labcorp Genetics (formerly Invitae), Labcorp
Classification: Likely pathogenic for Dilated cardiomyopathy 1G; Autosomal recessive limb-girdle muscular dystrophy type 2J. Last evaluated: 2025-01-08. Review status: criteria provided, single submitter. Criteria: Invitae Variant Classification Sherloc (09022015). Collection method: clinical testing. Allele origin: germline.
Comment: This sequence change creates a premature translational stop signal (p.Thr33520Valfs*21) in the TTN gene. While this is not anticipated to result in nonsense mediated decay, it is expected to create a truncated TTN protein. This variant is not present in population databases (gnomAD no frequency). This variant has not been reported in the literature in individuals affected with TTN-related conditions. This variant is located in the A band of TTN (PMID: 25589632). Truncating variants in this region are significantly overrepresented in patients affected with dilated cardiomyopathy (PMID: 25589632). Truncating variants in this region have also been reported in individuals affected with autosomal recessive centronuclear myopathy (PMID: 23975875). In summary, the currently available evidence indicates that the variant is pathogenic, but additional data are needed to prove that conclusively. Therefore, this variant has been classified as Likely Pathogenic.

Literature cited by the submitters: PubMed 25589632; PubMed 23975875.

NM_001267550.2(TTN):c.100558_100561del (p.Thr33520fs)

Genes: TTN-AS1 (TTN antisense RNA 1; plus strand), TTN (titin; minus strand). Cytogenetic location: 2q31.2.
Variant type: Deletion.
Coding change: c.100558_100561del on transcript NM_001267550.2 (MANE Select); coding-DNA positions 100558 to 100561, 4 bases deleted (ACTG; older notation c.100558_100561delACTG).
Protein change: p.Thr33520fs; shifts the reading frame from threonine 33520.
Molecular consequence: frameshift variant.
Genome position (GRCh38, 1-based): chr2:178,536,186-178,536,189, CAGT deleted on the plus strand (ACTG on the coding strand, the reverse complement: TTN is on the minus strand); deleting any 4 consecutive bases within chr2:178,536,186-178,536,191 gives the same sequence; the c. name uses the placement nearest the transcript's 3' end. VCF-style (leftmost placement, unchanged base first): chr2-178536185-CCAGT-C. GRCh37 (hg19) VCF-style: chr2-179400912-CCAGT-C.
Other names: c.95635_95638del, p.Thr31879fs (NM_001256850.1); c.73363_73366del, p.Thr24455fs (NM_003319.4); c.92854_92857del, p.Thr30952fs (NM_133378.4); c.73738_73741del, p.Thr24580fs (NM_133432.3); c.73939_73942del, p.Thr24647fs (NM_133437.4); short protein forms T24455fs, T24580fs, T24647fs, T30952fs, T31879fs, T33520fs.
Identifiers: ClinVar variation 3760272 (VCV003760272.2).